The following is an entry in ClinVar:

ClinVar aggregate classification (germline): Uncertain significance (1 of 4 stars; one submission).

Conditions:
DK1-congenital disorder of glycosylation. Also called: CONGENITAL DISORDER OF GLYCOSYLATION, TYPE Im; DK1-CDG; CDG Im; DK1 DEFICIENCY; DOLICHOL KINASE DEFICIENCY; DOLK-congenital disorder of glycosylation. Identifiers: Orphanet 91131, MedGen C1835849, MONDO:0012556, OMIM 610768.

Submission:

Labcorp Genetics (formerly Invitae), Labcorp
Classification: Uncertain significance for DK1-congenital disorder of glycosylation. Last evaluated: 2020-12-23. Review status: criteria provided, single submitter. Criteria: Invitae Variant Classification Sherloc (09022015). Collection method: clinical testing. Allele origin: germline.
Comment: In summary, the available evidence is currently insufficient to determine the role of this variant in disease. Therefore, it has been classified as a Variant of Uncertain Significance. Algorithms developed to predict the effect of missense changes on protein structure and function output the following: SIFT: "Deleterious"; PolyPhen-2: "Benign"; Align-GVGD: "Class C0". The leucine amino acid residue is found in multiple mammalian species, suggesting that this missense change does not adversely affect protein function. These predictions have not been confirmed by published functional studies and their clinical significance is uncertain. This variant has not been reported in the literature in individuals with DOLK-related conditions. This variant is not present in population databases (ExAC no frequency). This sequence change replaces serine with leucine at codon 323 of the DOLK protein (p.Ser323Leu). The serine residue is weakly conserved and there is a large physicochemical difference between serine and leucine.

NM_014908.4(DOLK):c.968C>T (p.Ser323Leu)

Gene: DOLK (dolichol kinase; minus strand). Cytogenetic location: 9q34.11.
Variant type: single nucleotide variant.
Coding change: c.968C>T on transcript NM_014908.4 (MANE Select); coding-DNA position 968, C replaced by T.
Protein change: p.Ser323Leu; replaces serine 323 with leucine.
Molecular consequence: missense variant.
Genome position (GRCh38, 1-based): chr9:128,946,336, G>A on the plus strand (C>T on the coding strand, the complement: DOLK is on the minus strand). VCF-style: chr9-128946336-G-A. GRCh37 (hg19) VCF-style: chr9-131708615-G-A.
Other names: short protein forms S323L.
Identifiers: ClinVar variation 1386355 (VCV001386355.8), dbSNP rs2131127724, ClinGen allele CA375121236.